The following is an entry in ClinVar:

NM_001128178.3(NPHP1):c.1252A>G (p.Ile418Val)

Gene: NPHP1 (nephrocystin 1; minus strand). Cytogenetic location: 2q13.
Variant type: single nucleotide variant.
Coding change: c.1252A>G on transcript NM_001128178.3 (MANE Select); coding-DNA position 1252, A replaced by G.
Protein change: p.Ile418Val; replaces isoleucine 418 with valine.
Molecular consequence: missense variant.
Genome position (GRCh38, 1-based): chr2:110,147,933, T>C on the plus strand (A>G on the coding strand, the complement: NPHP1 is on the minus strand). VCF-style: chr2-110147933-T-C. GRCh37 (hg19) VCF-style: chr2-110905510-T-C.
Other names: c.1420A>G, p.Ile474Val (NM_000272.5); c.1063A>G, p.Ile355Val (NM_001128179.3); c.1249A>G, p.Ile417Val (NM_001374256.1); c.1252A>G, p.Ile418Val (NM_001374257.1); c.1417A>G, p.Ile473Val (NM_207181.4); c.1420A>G (NM_000272.3); short protein forms I355V, I417V, I418V, I473V, I474V.
Identifiers: ClinVar variation 1016075 (VCV001016075.8), dbSNP rs577560349, ClinGen allele CA1827092.

ClinVar aggregate classification (germline): Uncertain significance. Review status: criteria provided, multiple submitters, no conflicts (2 of 4 stars). 4 submissions from 4 submitters: Uncertain significance (4). Last evaluated 2026-06-22.

Conditions:
NPHP1-related disorder. Also called: NPHP1-related disorders; NPHP1-related condition.
Nephronophthisis. Also called: Juvenile Nephronophthisis. Identifiers: Orphanet 655, MedGen C0687120, MONDO:0019005, HP:0000090.
Senior-Loken syndrome 1 (SLSN1). Also called: JUVENILE NEPHRONOPHTHISIS WITH LEBER AMAUROSIS. Identifiers: Orphanet 3156, MedGen C4551559, MONDO:0009962, OMIM 266900.
Joubert syndrome with renal defect. Also called: JOUBERT SYNDROME 4. Identifiers: Orphanet 220497, MedGen C1846790, MONDO:0012308, OMIM 609583.
Nephronophthisis 1 (NPHP1). Also called: Nephronophthisis familial juvenile. Identifiers: Orphanet 655, Orphanet 93592, MedGen C1855681, MONDO:0009728, OMIM 256100.

Allele frequency attached by ClinVar (database versions not stated): gnomAD exomes 0.00002 and 0.00009; ExAC 0.00004; gnomAD 0.00004 and 0.00005; TOPMed 0.00005; 1000 Genomes Project 30x 0.00031; 1000 Genomes Project 0.00040.
gnomAD v4.1: 36 of 1,589,924 alleles (0.0023%); highest among the groups gnomAD compares: East Asian, 0.063%; no homozygotes.

Submissions (4):

PreventionGenetics, part of Exact Sciences
Classification: Uncertain significance for NPHP1-related condition. Last evaluated: 2026-06-22. Review status: criteria provided, single submitter. Criteria: ACMG Guidelines, 2015. Collection method: clinical testing. Allele origin: germline.
Comment: The NPHP1 c.1420A>G variant is predicted to result in the amino acid substitution p.Ile474Val. To our knowledge, this variant has not been reported in the literature. This variant is reported in 0.12% of alleles in individuals of East Asian descent in gnomAD. Although we suspect that this variant may be benign, at this time, the clinical significance of this variant is uncertain due to the absence of conclusive functional and genetic evidence.

Labcorp Genetics (formerly Invitae), Labcorp
Classification: Uncertain significance for Nephronophthisis. Last evaluated: 2025-12-15. Review status: criteria provided, single submitter. Criteria: Invitae Variant Classification Sherloc (09022015). Collection method: clinical testing. Allele origin: germline.
Comment: This sequence change replaces isoleucine, which is neutral and non-polar, with valine, which is neutral and non-polar, at codon 474 of the NPHP1 protein (p.Ile474Val). This variant is present in population databases (rs577560349, gnomAD 0.1%). This variant has not been reported in the literature in individuals affected with NPHP1-related conditions. ClinVar contains an entry for this variant (Variation ID: 1016075). Invitae Evidence Modeling of protein sequence and biophysical properties (such as structural, functional, and spatial information, amino acid conservation, physicochemical variation, residue mobility, and thermodynamic stability) indicates that this missense variant is not expected to disrupt NPHP1 protein function with a negative predictive value of 80%. In summary, the available evidence is currently insufficient to determine the role of this variant in disease. Therefore, it has been classified as a Variant of Uncertain Significance.

Blueprint Genetics
Classification: Uncertain significance. Last evaluated: 2024-07-16. Review status: criteria provided, single submitter. Criteria: ACMG Guidelines, 2015. Collection method: clinical testing. Allele origin: germline.

Fulgent Genetics
Classification: Uncertain significance for Nephronophthisis 1; Senior-Loken syndrome 1; Joubert syndrome with renal defect. Last evaluated: 2022-04-22. Review status: criteria provided, single submitter. Criteria: ACMG Guidelines, 2015. Collection method: clinical testing. Allele origin: unknown.